The following is an entry in ClinVar:

NM_170707.4(LMNA):c.476del (p.Glu159fs)

Genes: LMNA (lamin A/C; plus strand), LOC126805877 (MED14-independent group 3 enhancer GRCh37_chr1:156099693-156100892; plus strand). Cytogenetic location: 1q22.
Variant type: Deletion.
Coding change: c.476del on transcript NM_170707.4 (MANE Select); coding-DNA position 476, one base deleted (A; older notation c.476delA).
Protein change: p.Glu159fs; shifts the reading frame from glutamic acid 159.
Molecular consequence: frameshift variant.
Genome position (GRCh38, 1-based): chr1:156,130,736, A deleted. VCF-style (leftmost placement, unchanged base first): chr1-156130735-GA-G. GRCh37 (hg19) VCF-style: chr1-156100526-GA-G.
Other names: c.140del, p.Glu47fs (NM_001257374.3); c.233del, p.Glu78fs (NM_001282624.2); c.476del, p.Glu159fs (NM_001282625.2, NM_001282626.2, NM_005572.4 and 1 more transcripts); short protein forms E159fs, E78fs, E47fs.
Identifiers: ClinVar variation 228272 (VCV000228272.4), dbSNP rs876657650, ClinGen allele CA10576366.

ClinVar aggregate classification (germline): Likely pathogenic (1 of 4 stars; one submission).

Conditions:
Primary dilated cardiomyopathy (DCM). Also called: Dilated Cardiomyopathy. Identifiers: Orphanet 217604, MedGen C0007193, MeSH D002311, MONDO:0005021, HP:0001644. Inheritance: Various modes of inheritance.

Submission:

Laboratory for Molecular Medicine, Mass General Brigham Personalized Medicine
Classification: Likely pathogenic for Primary dilated cardiomyopathy. Last evaluated: 2015-05-14. Review status: criteria provided, single submitter. Criteria: LMM Criteria. Collection method: clinical testing. Allele origin: germline. Observed: 1 variant allele.
Comment: The p.Glu159fs variant in LMNA has not been previously reported in individuals w ith cardiomyopathy or in large population studies. This variant is predicted to cause a frameshift, which alters the protein?s amino acid sequence beginning at position 159 and leads to a premature termination codon 18 amino acids downstrea m. This alteration is then predicted to lead to a truncated or absent protein. H eterozygous loss of LMNA function is an established disease mechanism in individ uals with DCM +/- conduction system defects. In summary, although additional stu dies are required to fully establish its clinical significance, the p.Glu159fs v ariant is likely pathogenic.